The following is an entry in ClinVar:

NM_000350.3(ABCA4):c.3007C>T (p.Gln1003Ter)

Gene: ABCA4 (ATP binding cassette subfamily A member 4; minus strand). Cytogenetic location: 1p22.1.
Variant type: single nucleotide variant.
Coding change: c.3007C>T on transcript NM_000350.3 (MANE Select); coding-DNA position 3007, C replaced by T.
Protein change: p.Gln1003Ter; replaces glutamine 1003 with a stop codon.
Molecular consequence: nonsense.
Genome position (GRCh38, 1-based): chr1:94,044,656, G>A on the plus strand (C>T on the coding strand, the complement: ABCA4 is on the minus strand). VCF-style: chr1-94044656-G-A. GRCh37 (hg19) VCF-style: chr1-94510212-G-A.
Other names: NM_000350.3:c.3007C>T; c.2785C>T, p.Gln929Ter (NM_001425324.1); short protein forms Q1003*, Q929*.
Identifiers: ClinVar variation 4538557 (VCV004538557.1).

ClinVar aggregate classification (germline): Pathogenic (3 of 4 stars; one submission).

Conditions:
ABCA4-related retinopathy. Also called: ABCA4-related retinoapthy; ABCA4 retinoapthy. Identifiers: MedGen CN322612, MONDO:0800406.

Submission:

ClinGen ABCA4 Variant Curation Expert Panel, Clingen
Classification: Pathogenic for ABCA4-related retinopathy. Last evaluated: 2025-12-05. Review status: reviewed by expert panel. Criteria: ClinGen ABCA4 ACMG Specifications V1.0.0. Collection method: curation. Allele origin: germline. Inheritance: Autosomal recessive inheritance.
Comment: The NM_000350.3:c.3007C>T (p.Gln1003Ter) variant in ABCA4 is a nonsense variant predicted to cause a premature stop codon in biologically relevant exon 20/50 leading to nonsense mediated decay in a gene in which loss-of-function is an established disease mechanism (PVS1). This variant is absent from gnomAD v4.1.0 (PM2_Supporting). This variant has been detected in at least two individuals with ABCA4-related retinopathy, of which, at least one was compound heterozygous for the variant and a pathogenic variant (PM3_Supporting; PMID: 28446513, 33909047). In summary, this variant meets the criteria to be classified as Pathogenic for ABCA4-related retinopathy based on the ACMG/AMP criteria applied, as specified by the ClinGen ABCA4 VCEP (v1.0.0): PSV1, PM3_Supporting, PM2_Supporting.